The following is an entry in ClinVar:

NM_000052.7(ATP7A):c.3416A>G (p.Asp1139Gly)

Gene: ATP7A (ATPase copper transporting alpha; plus strand). Cytogenetic location: Xq21.1.
Variant type: single nucleotide variant.
Coding change: c.3416A>G on transcript NM_000052.7 (MANE Select); coding-DNA position 3416, A replaced by G.
Protein change: p.Asp1139Gly; replaces aspartic acid 1139 with glycine.
Molecular consequence: missense variant. On other transcripts: non-coding transcript variant (1).
Genome position (GRCh38, 1-based): chrX:78,033,726, A>G. VCF-style: chrX-78033726-A-G. GRCh37 (hg19) VCF-style: chrX-77289224-A-G.
Other names: c.3416A>G (NM_000052.6); c.3182A>G, p.Asp1061Gly (NM_001282224.2); short protein forms D1139G, D1061G.
Identifiers: ClinVar variation 290867 (VCV000290867.17), dbSNP rs782154314, ClinGen allele CA10459413.

ClinVar aggregate classification (germline): Benign/Likely benign. Review status: criteria provided, multiple submitters, no conflicts (2 of 4 stars). 5 submissions from 5 submitters: Benign (3); Likely benign (2). Last evaluated 2026-08-01.

Conditions:
Cutis laxa, X-linked (OHS). Also called: Occipital horn syndrome; EDS IX. Identifiers: Orphanet 198, MedGen C0268353, MONDO:0010572, OMIM 304150.
X-linked distal spinal muscular atrophy type 3. Also called: ATP7A-Related Distal Motor Neuropathy; NEURONOPATHY, DISTAL HEREDITARY MOTOR, X-LINKED; NEUROPATHY, DISTAL HEREDITARY MOTOR, X-LINKED; SPINAL MUSCULAR ATROPHY, DISTAL, X-LINKED RECESSIVE. Identifiers: Orphanet 139557, MedGen C1845359, MONDO:0010338, OMIM 300489.
Menkes kinky-hair syndrome (MNK). Also called: Copper transport disease; Classic Menkes Disease; Menkes Disease. Identifiers: Orphanet 565, MedGen C0022716, MONDO:0010651, OMIM 309400.
ATP7A-related disorder. Also called: ATP7A-related condition.
Inborn genetic diseases. Identifiers: MedGen C0950123, MeSH D030342.

Allele frequency attached by ClinVar (database versions not stated): gnomAD 0.00001 and 0.00007; TOPMed 0.00001; gnomAD exomes 0.00010 and 0.00018; 1000 Genomes Project 30x 0.00021; ExAC 0.00025; 1000 Genomes Project 0.00026.
gnomAD v4.1: 119 of 1,208,777 alleles (0.0098%); highest among the groups gnomAD compares: South Asian, 0.2%; 2 homozygotes.

Submissions (5):

CeGaT Center for Human Genetics Tuebingen
Classification: Likely benign. Last evaluated: 2026-08-01. Review status: criteria provided, single submitter. Criteria: CeGaT Center For Human Genetics Tuebingen Variant Classification Criteria Version 2. Collection method: clinical testing. Allele origin: germline. Affected: yes. Observed: 1 variant allele.
Comment: ATP7A: BS2

PreventionGenetics, part of Exact Sciences
Classification: Likely benign for ATP7A-related condition. Last evaluated: 2026-03-20. Review status: criteria provided, single submitter. Criteria: ACMG Guidelines, 2015. Collection method: clinical testing. Allele origin: germline.
Comment: This variant is classified as likely benign based on ACMG/AMP sequence variant interpretation guidelines (Richards et al. 2015 PMID: 25741868, with internal and published modifications).

Labcorp Genetics (formerly Invitae), Labcorp
Classification: Benign for X-linked distal spinal muscular atrophy type 3; Cutis laxa, X-linked; Menkes kinky-hair syndrome. Last evaluated: 2024-10-24. Review status: criteria provided, single submitter. Criteria: Invitae Variant Classification Sherloc (09022015). Collection method: clinical testing. Allele origin: germline.

Ambry Genetics
Classification: Benign for Inborn genetic diseases. Last evaluated: 2017-12-18. Review status: criteria provided, single submitter. Criteria: Ambry Variant Classification Scheme 2023. Collection method: clinical testing. Allele origin: germline.

Eurofins Ntd Llc (ga)
Classification: Benign. Last evaluated: 2016-09-20. Review status: criteria provided, single submitter. Criteria: EGL Classification Definitions 2015. Collection method: clinical testing. Allele origin: germline. Observed: 1 variant allele, 1 heterozygote.